The following is an entry in ClinVar:

ClinVar aggregate classification (germline): Uncertain significance (1 of 4 stars; one submission).

gnomAD v4.1: 1 of 1,612,516 alleles (0.000062%); highest among the groups gnomAD compares: Admixed American, 0.0017%; no homozygotes.

Submission:

Labcorp Genetics (formerly Invitae), Labcorp
Classification: Uncertain significance. Last evaluated: 2022-07-19. Review status: criteria provided, single submitter. Criteria: Invitae Variant Classification Sherloc (09022015). Collection method: clinical testing. Allele origin: germline.
Comment: In summary, the available evidence is currently insufficient to determine the role of this variant in disease. Therefore, it has been classified as a Variant of Uncertain Significance. Algorithms developed to predict the effect of missense changes on protein structure and function (SIFT, PolyPhen-2, Align-GVGD) all suggest that this variant is likely to be tolerated. ClinVar contains an entry for this variant (Variation ID: 1376488). This variant has not been reported in the literature in individuals affected with PACS2-related conditions. This variant is not present in population databases (gnomAD no frequency). This sequence change replaces leucine, which is neutral and non-polar, with proline, which is neutral and non-polar, at codon 398 of the PACS2 protein (p.Leu398Pro).

NM_001100913.3(PACS2):c.1193T>C (p.Leu398Pro)

Gene: PACS2 (phosphofurin acidic cluster sorting protein 2; plus strand). Cytogenetic location: 14q32.33.
Variant type: single nucleotide variant.
Coding change: c.1193T>C on transcript NM_001100913.3 (MANE Select); coding-DNA position 1193, T replaced by C.
Protein change: p.Leu398Pro; replaces leucine 398 with proline.
Molecular consequence: missense variant.
Genome position (GRCh38, 1-based): chr14:105,381,024, T>C. VCF-style: chr14-105381024-T-C. GRCh37 (hg19) VCF-style: chr14-105847361-T-C.
Other names: c.968T>C, p.Leu323Pro (NM_001243127.3); c.1193T>C, p.Leu398Pro (NM_015197.4); short protein forms L323P, L398P.
Identifiers: ClinVar variation 1376488 (VCV001376488.8), dbSNP rs2141237475, ClinGen allele CA391181287.